The following is an entry in ClinVar:

ClinVar aggregate classification (germline): Conflicting classifications of pathogenicity. Review status: criteria provided, conflicting classifications (1 of 4 stars). 16 submissions from 16 submitters: Uncertain significance (2); Benign (4); Likely benign (8). 2 of the submissions do not count toward it. Last evaluated 2025-12-23.

Conditions:
Hereditary cancer-predisposing syndrome. Also called: Hereditary Cancer Syndrome; Tumor predisposition; Neoplastic Syndromes, Hereditary; Hereditary neoplastic syndrome. Identifiers: Orphanet 140162, MedGen C0027672, MeSH D009386, MONDO:0015356.
Breast neoplasm. Also called: Breast Neoplasms; Neoplasm of the breast; Neoplasm of breast; Breast tumor. Identifiers: MedGen C1458155, MeSH D001943, MONDO:0021100, HP:0100013. Disease mechanism: gain of function.
Hereditary breast ovarian cancer syndrome. Also called: Breast and ovarian cancer; BRCA1- and BRCA2-Associated Hereditary Breast and Ovarian Cancer; Hereditary breast and ovarian cancer; Hereditary breast and ovarian cancer syndrome (HBOC); Hereditary breast and ovarian cancer syndrome; Hereditary breast and/or ovarian cancer syndrome. Identifiers: Orphanet 145, MedGen C0677776, MeSH D061325, MONDO:0003582. Disease mechanism: loss of function.
Breast-ovarian cancer, familial, susceptibility to, 1 (BROVCA1). Also called: BRCA1 Hereditary Breast and Ovarian Cancer; OVARIAN CANCER, SUSCEPTIBILITY TO. Identifiers: Orphanet 145, MedGen C2676676, MONDO:0011450, OMIM 604370. Disease mechanism: loss of function.
Malignant tumor of breast. Also called: Malignant breast neoplasm; Cancer breast. Identifiers: MedGen C0006142, MONDO:0007254. Disease mechanism: loss of function.

Allele frequency attached by ClinVar (database versions not stated): TOPMed 0.00006; gnomAD 0.00007 and 0.00008; ESP Exome Variant Server 0.00008; ExAC 0.00001; gnomAD exomes 0.00002 and 0.00004.

Submissions 1 to 13 of 16:

Labcorp Genetics (formerly Invitae), Labcorp
Classification: Likely benign for Hereditary breast ovarian cancer syndrome. Last evaluated: 2025-12-23. Review status: criteria provided, single submitter. Criteria: Invitae Variant Classification Sherloc (09022015). Collection method: clinical testing. Allele origin: germline.

Molecular Diagnostics Laboratory, Catalan Institute of Oncology
Classification: Benign for Hereditary cancer-predisposing syndrome. Last evaluated: 2025-02-25. Review status: criteria provided, single submitter. Criteria: ClinGen BRCA1BRCA2 ACMG Specifications BRCA1 V1.0.0. Collection method: clinical testing. Allele origin: germline.
Comment: BS3, BP1_Strong, BP5 c.4882A>G, located in exon 15 (16 according BIC nomenclature) of the BRCA1 gene, is predicted to result in the substitution of methionine by valine at codon 1628, p.(Met1628Val). This position is outside a (potentially) clinically important functional domain and, moreover, the SpliceAI algorithm predicts no significant impact on splicing (BP1_strong). This variant is found in 6/268262 alleles at a frequency of 0.0022% in the gnomAD v2.1.1 database, non-cancer dataset. BRCA1 c.4882A>G was reported by one calibrated study to affect protein function similar to benign control variants (PMID: 30765603) (BS3). Published clinical data for a multifactorial likelihood analysis (PMID: 31131967) showed a combined LR indicative of supporting evidence towards benign (LR 0.31), based on tumour characteristics (LR 0.59), co-occurrence (LR 1.43) and family history (LR 0.37) (BP5). In addition, the variant was also identified in the following databases: BRCA Exchange (Not Yet Reviewed), ClinVar (2x benign, 3x likely benign, 9x uncertain significance) and LOVD (7x as uncertain significance). Based on the currently available information, c.4882A>G is classified as a benign variant according to ClinGen-BRCA1 Guidelines version v1.0.0.

ARUP Laboratories, Molecular Genetics and Genomics, ARUP Laboratories
Classification: Benign. Last evaluated: 2024-11-22. Review status: criteria provided, single submitter. Criteria: ARUP Molecular Germline Variant Investigation Process 2024. Collection method: clinical testing. Allele origin: germline.

Women's Health and Genetics/Laboratory Corporation of America, LabCorp
Classification: Benign. Last evaluated: 2021-06-13. Review status: criteria provided, single submitter. Criteria: LabCorp Variant Classification Summary - May 2015. Collection method: clinical testing. Allele origin: germline.
Comment: Variant summary: BRCA1 c.4882A>G (p.Met1628Val) results in a conservative amino acid change in the encoded protein sequence. Five of five in-silico tools predict a benign effect of the variant on protein function. The variant allele was found at a frequency of 2e-05 in 251478 control chromosomes. The available data on variant occurrences in the general population are insufficient to allow any conclusion about variant significance. c.4882A>G has been reported in the literature in individuals affected with Hereditary Breast And Ovarian Cancer (example, Durocher_1996, Troudi_2007, Lu_2012). These report(s) do not provide unequivocal conclusions about association of the variant with Hereditary Breast And Ovarian Cancer Syndrome. Co-occurrences with other pathogenic variant(s) have been observed in the UMD database and at our laboratory (UMD database-BRCA1 c.25G>T, p.Glu9*; our laboratory-BRCA1 c.4357+1G>A), providing supporting evidence for a benign role. Multiple publications report contradictory experimental evidence evaluating an impact on protein function. The most pronounced variant effect results in a loss of transcriptional activation similar to a null allele (Phelan_2005), whereas another study evaluating transcriptional acitivity reported a neutral outcome (Frenandes_2019). Another assay measuring yeast colony size found no difference when compared to a WT control (Coyne_2004). Other reports have classified the variant as a VUS (Iversen_2011), as likely not pathogenic (Woods_2016) based on functional studies.. Eight clinical diagnostic laboratories have submitted clinical-significance assessments for this variant to ClinVar after 2014 without evidence for independent evaluation and a predominant consensus leaning towards likely benign (n=6)/benign (n=1) and one submitter reporting a VUS outcome. Some submitters cite overlapping evidence utilized in the context of this evaluation. Based on the evidence outlined above, the variant was classified as benign.

Genetic Services Laboratory, University of Chicago
Classification: Likely benign. Last evaluated: 2019-12-20. Review status: criteria provided, single submitter. Criteria: ACMG Guidelines, 2015. Collection method: clinical testing. Allele origin: germline. Affected: no.
Comment: DNA sequence analysis of the BRCA1 gene demonstrated a sequence change, c.4882A>G, in exon 15 that results in an amino acid change, p.Met1628Val. This sequence change has been described in the gnomAD database with a frequency of 0.004% in European populations (dbSNP rs80357465). The p.Met1628Val change has been identified in one individual with breast and/or ovarian cancer (PMID: 8776600). The p.Met1628Val change affects a poorly conserved amino acid residue located in a domain of the BRCA1 protein that is known to be functional. The p.Met1628Val substitution appears to be benign using several in-silico pathogenicity prediction tools (SIFT, PolyPhen2, Align GVGD, REVEL). Functional studies demonstrated about 80% of the wild-type protein activity, suggesting this is a neutral variant (PMID: 17311832). We classify this sequence change as likely benign.

Blueprint Genetics
Classification: Likely benign. Last evaluated: 2019-06-27. Review status: criteria provided, single submitter. Criteria: ACMG Guidelines, 2015. Collection method: clinical testing. Allele origin: germline.

Mendelics
Classification: Benign for Breast-ovarian cancer, familial, susceptibility to, 1. Last evaluated: 2019-05-28. Review status: criteria provided, single submitter. Criteria: Mendelics Assertion Criteria 2017. Collection method: clinical testing. Allele origin: unknown.

Quest Diagnostics Nichols Institute San Juan Capistrano
Classification: Likely benign. Last evaluated: 2019-04-24. Review status: criteria provided, single submitter. Criteria: Quest Diagnostics criteria. Collection method: clinical testing. Allele origin: germline.

Ambry Genetics
Classification: Likely benign for Hereditary cancer-predisposing syndrome. Last evaluated: 2018-06-18. Review status: criteria provided, single submitter. Criteria: Ambry Variant Classification Scheme 2023. Collection method: clinical testing. Allele origin: germline.

CeGaT Center for Human Genetics Tuebingen
Classification: Uncertain significance. Last evaluated: 2018-06-01. Review status: criteria provided, single submitter. Criteria: CeGaT Center For Human Genetics Tuebingen Variant Classification Criteria Version 2. Collection method: clinical testing. Allele origin: germline. Affected: yes. Observed: 2 variant alleles.

Institute for Biomarker Research, Medical Diagnostic Laboratories, L.L.C.
Classification: Likely benign for Hereditary cancer-predisposing syndrome. Last evaluated: 2018-01-16. Review status: criteria provided, single submitter. Criteria: ACMG Guidelines, 2015. Collection method: clinical testing. Allele origin: germline.

GeneDx
Classification: Likely benign. Last evaluated: 2017-03-01. Review status: criteria provided, single submitter. Criteria: GeneDx Variant Classification (06012015). Collection method: clinical testing. Allele origin: germline. Affected: yes.
Comment: This variant is considered likely benign or benign based on one or more of the following criteria: it is a conservative change, it occurs at a poorly conserved position in the protein, it is predicted to be benign by multiple in silico algorithms, and/or has population frequency not consistent with disease.

Color Diagnostics, LLC DBA Color Health
Classification: Likely benign for Hereditary cancer-predisposing syndrome. Last evaluated: 2015-01-17. Review status: criteria provided, single submitter. Criteria: ACMG Guidelines, 2015. Collection method: clinical testing. Allele origin: germline.

NM_007294.4(BRCA1):c.4882A>G (p.Met1628Val)

Gene: BRCA1 (BRCA1 DNA repair associated; minus strand). Cytogenetic location: 17q21.31.
Variant type: single nucleotide variant.
Coding change: c.4882A>G on transcript NM_007294.4 (MANE Select); coding-DNA position 4882, A replaced by G.
Protein change: p.Met1628Val; replaces methionine 1628 with valine.
Molecular consequence: missense variant. On other transcripts: non-coding transcript variant (1).
Genome position (GRCh38, 1-based): chr17:43,071,032, T>C on the plus strand (A>G on the coding strand, the complement: BRCA1 is on the minus strand). VCF-style: chr17-43071032-T-C. GRCh37 (hg19) VCF-style: chr17-41223049-T-C.
Other names: p.M1628V:ATG>GTG; c.4669A>G, p.Met1557Val (NM_001407571.1, NM_001407894.1, NM_001407895.1 and 12 more transcripts); c.4948A>G, p.Met1650Val (NM_001407581.1, NM_001407582.1); c.4945A>G, p.Met1649Val (NM_001407583.1, NM_001407585.1, NM_001407587.1 and 1 more transcripts); c.4942A>G, p.Met1648Val (NM_001407590.1, NM_001407591.1); c.4882A>G, p.Met1628Val (NM_001407593.1, NM_001407594.1, NM_001407596.1 and 8 more transcripts); c.4879A>G, p.Met1627Val (NM_001407617.1, NM_001407618.1, NM_001407619.1 and 17 more transcripts); c.4876A>G, p.Met1626Val (NM_001407636.1, NM_001407637.1, NM_001407638.1 and 14 more transcripts); and 71 more; short protein forms M1628V, M1581V, M524V, M1649V, M1332V, M1501V, M1538V, M1540V.
Identifiers: ClinVar variation 55306 (VCV000055306.73), dbSNP rs80357465, ClinGen allele CA003061.